The following is an entry in ClinVar:

ClinVar aggregate classification (germline): Benign. Review status: criteria provided, multiple submitters, no conflicts (2 of 4 stars). 2 submissions from 2 submitters: Benign (2). Last evaluated 2016-06-28.

Allele frequency attached by ClinVar (database versions not stated): gnomAD 0.00545 and 0.00580; gnomAD exomes 0.00132 and 0.00052; 1000 Genomes Project 0.00399; ESP Exome Variant Server 0.00507; TOPMed 0.00610; ExAC 0.00150; 1000 Genomes Project 30x 0.00437.

Submissions (2):

GeneDx
Classification: Benign. Last evaluated: 2016-06-28. Review status: criteria provided, single submitter. Criteria: GeneDx Variant Classification (06012015). Collection method: clinical testing. Allele origin: germline. Affected: yes.
Comment: This variant is considered likely benign or benign based on one or more of the following criteria: it is a conservative change, it occurs at a poorly conserved position in the protein, it is predicted to be benign by multiple in silico algorithms, and/or has population frequency not consistent with disease.

Breakthrough Genomics
Classification: Benign. Review status: criteria provided, single submitter. Criteria: ACMG Guidelines, 2015. Collection method: not provided. Allele origin: germline. Inheritance: Autosomal recessive inheritance. Affected: yes.

NM_000709.3(BCKDHA):c.-28C>G

Gene: BCKDHA (branched chain keto acid dehydrogenase E1 subunit alpha; plus strand). Cytogenetic location: 19q13.2.
Variant type: single nucleotide variant.
Coding change: c.-28C>G on transcript NM_000709.3; 28 bases upstream of the start codon, C replaced by G.
Genome position (GRCh38, 1-based): chr19:41,397,800, C>G. VCF-style: chr19-41397800-C-G. GRCh37 (hg19) VCF-style: chr19-41903705-C-G.
Identifiers: ClinVar variation 386052 (VCV000386052.4), dbSNP rs114587707, ClinGen allele CA9460952.
Genomic context (GRCh38, chr19:41,397,800, plus strand): 5'-GGTGCTGGAGTTTGCGTCAGGCACATAAAGAGGCAGCCCCGAATCTAGCCTACGTGAGTG[C>G]CGGACCGCTGAGTGGTTGTTAGCCAAGATGGCGGTAGCGATCGCTGCAGCGAGGGTCTGG-3'